The following is an entry in ClinVar:

NM_177438.3(DICER1):c.1232C>A (p.Ser411Ter)

Gene: DICER1 (dicer 1, ribonuclease III; minus strand). Cytogenetic location: 14q32.13.
Variant type: single nucleotide variant.
Coding change: c.1232C>A on transcript NM_177438.3 (MANE Select); coding-DNA position 1232, C replaced by A.
Protein change: p.Ser411Ter; replaces serine 411 with a stop codon.
Molecular consequence: nonsense.
Genome position (GRCh38, 1-based): chr14:95,124,340, G>T on the plus strand (C>A on the coding strand, the complement: DICER1 is on the minus strand). VCF-style: chr14-95124340-G-T. GRCh37 (hg19) VCF-style: chr14-95590677-G-T.
Other names: c.1232C>A, p.Ser411Ter (NM_001195573.1, NM_001271282.3, NM_001291628.2 and 1 more transcripts); short protein forms S411*.
Identifiers: ClinVar variation 933053 (VCV000933053.2), dbSNP rs1893201715, ClinGen allele CA390886583.

ClinVar aggregate classification (germline): Pathogenic (1 of 4 stars; one submission).

Submission:

Foulkes Cancer Genetics LDI, Lady Davis Institute for Medical Research
Classification: Pathogenic. Last evaluated: 2019-07-01. Review status: criteria provided, single submitter. Criteria: ACMG Guidelines, 2015. Collection method: curation. Allele origin: somatic. Affected: yes. Observed: 1 variant allele.
Comment: ACMG criteria met: PVS1, PM2, PP3

Literature cited by the submitters: PubMed 27126690.